The following continues an entry in ClinVar:

NM_002693.3(POLG):c.32G>A (p.Gly11Asp)

ClinVar aggregate classification (germline): Conflicting classifications of pathogenicity. Uncertain significance (12); Likely benign (3).

Submissions 8 to 18 of 18:

Athena Diagnostics
Classification: Uncertain significance. Last evaluated: 2023-08-29. Review status: criteria provided, single submitter. Criteria: Athena Diagnostics Criteria. Collection method: clinical testing. Allele origin: unknown.
Comment: Available data are insufficient to determine the clinical significance of the variant at this time. The frequency of this variant in the general population is uninformative in assessment of its pathogenicity. In multiple reported cases, this variant has been observed on the same chromosome (in cis) as c.2554C>T (p.R852C) (PMID:18487244, 19251978, 21880868, 22494076). In multiple individuals, this variant has been seen where an alternate explanation for disease was also identified, suggesting this variant is unlikely to cause disease. Computational tools disagree on the variant's effect on normal protein function.

CeGaT Center for Human Genetics Tuebingen
Classification: Uncertain significance. Last evaluated: 2023-08-01. Review status: criteria provided, single submitter. Criteria: CeGaT Center For Human Genetics Tuebingen Variant Classification Criteria Version 2. Collection method: clinical testing. Allele origin: germline. Affected: yes. Observed: 3 variant alleles.
Comment: POLG: PM2, PM3:Supporting

Genome Diagnostics Laboratory, The Hospital for Sick Children
Classification: Uncertain significance for Hereditary spastic paraplegia. Last evaluated: 2020-02-01. Review status: criteria provided, single submitter. Criteria: ACMG Guidelines, 2015. Collection method: clinical testing. Allele origin: germline. Affected: yes.

Fulgent Genetics
Classification: Uncertain significance for Progressive external ophthalmoplegia with mitochondrial DNA deletions, autosomal dominant 1; Progressive sclerosing poliodystrophy; Progressive external ophthalmoplegia with mitochondrial DNA deletions, autosomal recessive 1; Mitochondrial DNA depletion syndrome 1; Sensory ataxic neuropathy, dysarthria, and ophthalmoparesis; Mitochondrial DNA depletion syndrome 4b. Last evaluated: 2018-10-31. Review status: criteria provided, single submitter. Criteria: ACMG Guidelines, 2015. Collection method: clinical testing. Allele origin: unknown.

Wong Mito Lab, Molecular and Human Genetics, Baylor College of Medicine
Classification: Likely benign for Progressive sclerosing poliodystrophy. Last evaluated: 2018-10-01. Review status: criteria provided, single submitter. Criteria: ACMG Guidelines, 2015. Collection method: clinical testing. Allele origin: germline.
Comment: The NM_002693.2:c.32G>A (NP_002684.1:p.Gly11Asp) [GRCH38: NC_000015.10:g.89333723C>T] variant in POLG gene is interpretated to be a Likely Benign based on ACMG guidelines (PMID: 25741868). This variant has been reported in PMID:18487244 . This variant meets the following evidence codes reported in the ACMG-guideline. BS1:The minor allele frequency of this allele is high for Mitochondrial DNA depletion syndrome 4A (Alpers type). BP4:Computational evidence/predictors indicate no impact on the POLG structure, function, or protein-protein interaction. BP2:The variant is observed in trans/cis with a dominant variant. Based on the evidence criteria codes applied, the variant is suggested to be Likely Benign.

GeneDx
Classification: Uncertain significance. Last evaluated: 2018-09-11. Review status: criteria provided, single submitter. Criteria: GeneDx Variant Classification (06012015). Collection method: clinical testing. Allele origin: germline. Affected: yes.
Comment: The G11D variant has also been observed in individuals with POLG-related disorders but typically reported to occur on the same chromosome (in cis) with R852C with a pathogenic variant on the other allele (for examples, see Ashley et al., 2009; Tang et al., 2011, Human DNA Polymerase Gamma Mutation Database). In one such observation, authors concluded that G11D was likely a non-pathogenic polymorphism that may serve as a modifier variant (Stewart et al., 2009). The G11D variant is a non-conservative amino acid substitution, which is likely to impact secondary protein structure as these residues differ in polarity, charge, size and/or other properties. However, it alters a position that is not conserved. Therefore, based on the currently available information, it is unclear whether this variant is a pathogenic variant or a rare benign variant.

Eurofins Ntd Llc (ga)
Classification: Uncertain significance. Last evaluated: 2017-11-14. Review status: criteria provided, single submitter. Criteria: EGL Classification Definitions 2015. Collection method: clinical testing. Allele origin: germline. Observed: 4 variant alleles, 4 heterozygotes.

Illumina Laboratory Services, Illumina
Classification: Uncertain significance for POLG-Related Spectrum Disorders. Last evaluated: 2017-04-28. Review status: criteria provided, single submitter. Criteria: ICSL Variant Classification Criteria 13 December 2019. Collection method: clinical testing. Allele origin: germline.
Comment: This variant was observed as part of a predisposition screen in an ostensibly healthy population. A literature search was performed for the gene, cDNA change, and amino acid change (where applicable). Publications were found based on this search. However, the evidence from the literature, in combination with allele frequency data from public databases where available, was not sufficient to rule this variant in or out of causing disease. Therefore, this variant is classified as a variant of unknown significance.

Centre de Biologie Pathologie Génétique, Centre Hospitalier Universitaire de Lille
Classification: Uncertain significance for Intellectual disability. Last evaluated: 2019-01-01. Review status: no assertion criteria provided. Collection method: clinical testing. Allele origin: unknown. Affected: yes. Not counted in ClinVar's aggregate classification.

Clinical Genetics DNA and cytogenetics Diagnostics Lab, Erasmus MC, Erasmus Medical Center
Classification: Uncertain significance. Review status: no assertion criteria provided. Collection method: clinical testing. Allele origin: germline. Affected: yes. Study: VKGL Data-share Consensus. Not counted in ClinVar's aggregate classification.

Genome Diagnostics Laboratory, Amsterdam University Medical Center
Classification: Uncertain significance. Review status: no assertion criteria provided. Collection method: clinical testing. Allele origin: germline. Affected: yes. Study: VKGL Data-share Consensus. Not counted in ClinVar's aggregate classification.

Literature cited by the submitters: PubMed 18487244 (cited by 8 submitters); PubMed 18546365 (cited by 6 submitters); PubMed 19103152 (cited by 4 submitters); PubMed 19251978 (cited by 5 submitters); PubMed 20818383 (cited by 5 submitters); PubMed 21259344 (cited by 5 submitters); PubMed 22494076 (cited by 6 submitters); PubMed 23084792 (cited by 3 submitters); PubMed 23430834 (cited by Ambry Genetics and Mayo Clinic Laboratories, Mayo Clinic); PubMed 32445240 (cited by 4 submitters); PubMed 21880868 (cited by 4 submitters); PubMed 17950645 (cited by Mayo Clinic Laboratories, Mayo Clinic and Athena Diagnostics); PubMed 19862739 (cited by 3 submitters); PubMed 21484424 (cited by Mayo Clinic Laboratories, Mayo Clinic and Athena Diagnostics); PubMed 31085725 (cited by Mayo Clinic Laboratories, Mayo Clinic and Athena Diagnostics); PubMed 32391929 (cited by Mayo Clinic Laboratories, Mayo Clinic and Women's Health and Genetics/Laboratory Corporation of America, LabCorp); PubMed 33233646 (cited by Mayo Clinic Laboratories, Mayo Clinic and Athena Diagnostics); PubMed 34052969 (cited by 3 submitters); PubMed 34670123 (cited by Mayo Clinic Laboratories, Mayo Clinic and Athena Diagnostics); PubMed 37184518 (cited by Mayo Clinic Laboratories, Mayo Clinic and Athena Diagnostics).